The following is an entry in ClinVar:

ClinVar aggregate classification (germline): Likely benign. Review status: criteria provided, multiple submitters, no conflicts (2 of 4 stars). 3 submissions from 3 submitters: Likely benign (3). Last evaluated 2023-04-11.

Conditions:
Microcephaly 5, primary, autosomal recessive (MCPH5). Also called: ASPM Primary Microcephaly. Identifiers: Orphanet 2512, MedGen C1837501, MONDO:0012106, OMIM 608716.

Allele frequency attached by ClinVar (database versions not stated): gnomAD exomes 0.00034 and 0.00087; ExAC 0.00101; ESP Exome Variant Server 0.00318; gnomAD 0.00397 and 0.00419; TOPMed 0.00454; 1000 Genomes Project 30x 0.00468; 1000 Genomes Project 0.00519.
gnomAD v4.1: 1,145 of 1,600,712 alleles (0.072%); highest among the groups gnomAD compares: African/African-American, 1.3%; 4 homozygotes.

Submissions (3):

Genome-Nilou Lab
Classification: Likely benign for Microcephaly 5, primary, autosomal recessive. Last evaluated: 2023-04-11. Review status: criteria provided, single submitter. Criteria: ACMG Guidelines, 2015. Collection method: clinical testing. Allele origin: germline. Affected: no.

Illumina Laboratory Services, Illumina
Classification: Likely benign for Microcephaly 5, primary, autosomal recessive. Last evaluated: 2018-01-13. Review status: criteria provided, single submitter. Criteria: ICSL Variant Classification Criteria 13 December 2019. Collection method: clinical testing. Allele origin: germline.
Comment: This variant was observed in the ICSL laboratory as part of a predisposition screen in an ostensibly healthy population. It had not been previously curated by ICSL or reported in the Human Gene Mutation Database (HGMD: prior to June 1st, 2018), and was therefore a candidate for classification through an automated scoring system. Utilizing variant allele frequency, disease prevalence and penetrance estimates, and inheritance mode, an automated score was calculated to assess if this variant is too frequent to cause the disease. Based on the score and internal cut-off values, a variant classified as likely benign is not then subjected to further curation. The score for this variant resulted in a classification of likely benign for this disease.

GeneDx
Classification: Likely benign. Last evaluated: 2017-10-04. Review status: criteria provided, single submitter. Criteria: GeneDx Variant Classification (06012015). Collection method: clinical testing. Allele origin: germline. Affected: yes.
Comment: This variant is considered likely benign or benign based on one or more of the following criteria: it is a conservative change, it occurs at a poorly conserved position in the protein, it is predicted to be benign by multiple in silico algorithms, and/or has population frequency not consistent with disease.

NM_018136.5(ASPM):c.-28G>A

Gene: ASPM (assembly factor for spindle microtubules; minus strand). Cytogenetic location: 1q31.3.
Variant type: single nucleotide variant.
Coding change: c.-28G>A on transcript NM_018136.5 (MANE Select); 28 bases upstream of the start codon, G replaced by A.
Molecular consequence: 5 prime UTR variant.
Genome position (GRCh38, 1-based): chr1:197,146,465, C>T on the plus strand (G>A on the coding strand, the complement: ASPM is on the minus strand). VCF-style: chr1-197146465-C-T. GRCh37 (hg19) VCF-style: chr1-197115595-C-T.
Other names: c.-28G>A (NM_001206846.2).
Identifiers: ClinVar variation 294660 (VCV000294660.6), dbSNP rs111299108, ClinGen allele CA1311000.